The following is an entry in ClinVar:

NM_000215.4(JAK3):c.2753G>C (p.Arg918Pro)

Gene: JAK3 (Janus kinase 3; minus strand). Cytogenetic location: 19p13.11.
Variant type: single nucleotide variant.
Coding change: c.2753G>C on transcript NM_000215.4 (MANE Select); coding-DNA position 2753, G replaced by C.
Protein change: p.Arg918Pro; replaces arginine 918 with proline.
Molecular consequence: missense variant.
Genome position (GRCh38, 1-based): chr19:17,831,726, C>G on the plus strand (G>C on the coding strand, the complement: JAK3 is on the minus strand). VCF-style: chr19-17831726-C-G. GRCh37 (hg19) VCF-style: chr19-17942535-C-G.
Other names: c.2753G>C (NM_000215.3); short protein forms R918P.
Identifiers: ClinVar variation 1417318 (VCV001417318.5), dbSNP rs753577833, ClinGen allele CA9301525.

ClinVar aggregate classification (germline): Uncertain significance. Review status: criteria provided, multiple submitters, no conflicts (2 of 4 stars). 3 submissions from 3 submitters: Uncertain significance (3). Last evaluated 2023-08-08.

Conditions:
Inborn genetic diseases. Identifiers: MedGen C0950123, MeSH D030342.
T-B+ severe combined immunodeficiency due to JAK3 deficiency. Also called: SCID, T CELL-NEGATIVE, B CELL-POSITIVE, NK CELL-NEGATIVE; SCID, autosomal recessive, T-negative/B-positive type. Identifiers: Orphanet 35078, MedGen C1833275, MONDO:0010938, OMIM 600802.

gnomAD v4.1: 37 of 1,611,896 alleles (0.0023%); highest among the groups gnomAD compares: South Asian, 0.03%; no homozygotes.

Submissions (3):

Ambry Genetics
Classification: Uncertain significance for Inborn genetic diseases. Last evaluated: 2023-08-08. Review status: criteria provided, single submitter. Criteria: Ambry Variant Classification Scheme 2023. Collection method: clinical testing. Allele origin: germline.

Labcorp Genetics (formerly Invitae), Labcorp
Classification: Uncertain significance for T-B+ severe combined immunodeficiency due to JAK3 deficiency. Last evaluated: 2022-10-13. Review status: criteria provided, single submitter. Criteria: Invitae Variant Classification Sherloc (09022015). Collection method: clinical testing. Allele origin: germline.
Comment: This sequence change replaces arginine, which is basic and polar, with proline, which is neutral and non-polar, at codon 918 of the JAK3 protein (p.Arg918Pro). This variant is present in population databases (rs753577833, gnomAD 0.04%). This variant has not been reported in the literature in individuals affected with JAK3-related conditions. ClinVar contains an entry for this variant (Variation ID: 1417318). Advanced modeling of protein sequence and biophysical properties (such as structural, functional, and spatial information, amino acid conservation, physicochemical variation, residue mobility, and thermodynamic stability) performed at Invitae indicates that this missense variant is expected to disrupt JAK3 protein function. In summary, the available evidence is currently insufficient to determine the role of this variant in disease. Therefore, it has been classified as a Variant of Uncertain Significance.

Blueprint Genetics
Classification: Uncertain significance. Last evaluated: 2019-03-21. Review status: criteria provided, single submitter. Criteria: ACMG Guidelines, 2015. Collection method: clinical testing. Allele origin: germline.